The following is an entry in ClinVar:

ClinVar aggregate classification (germline): Conflicting classifications of pathogenicity. Review status: criteria provided, conflicting classifications (1 of 4 stars). 5 submissions from 5 submitters: Uncertain significance (3); Likely benign (2). Last evaluated 2025-04-20.

Conditions:
Hereditary breast ovarian cancer syndrome. Also called: Hereditary breast and ovarian cancer; Hereditary breast and ovarian cancer syndrome (HBOC); Hereditary breast and/or ovarian cancer syndrome; Breast and ovarian cancer; Hereditary breast and ovarian cancer syndrome; BRCA1- and BRCA2-Associated Hereditary Breast and Ovarian Cancer. Identifiers: Orphanet 145, MedGen C0677776, MeSH D061325, MONDO:0003582. Disease mechanism: loss of function.
Hereditary cancer-predisposing syndrome. Also called: Tumor predisposition; Neoplastic Syndromes, Hereditary; Hereditary neoplastic syndrome; Hereditary Cancer Syndrome. Identifiers: Orphanet 140162, MedGen C0027672, MeSH D009386, MONDO:0015356.

Submissions (5):

Ambry Genetics
Classification: Uncertain significance for Hereditary cancer-predisposing syndrome. Last evaluated: 2025-04-20. Review status: criteria provided, single submitter. Criteria: Ambry Variant Classification Scheme 2023. Collection method: clinical testing. Allele origin: germline.
Comment: The p.D1540E variant (also known as c.4620C>G), located in coding exon 10 of the BRCA2 gene, results from a C to G substitution at nucleotide position 4620. The aspartic acid at codon 1540 is replaced by glutamic acid, an amino acid with highly similar properties. This amino acid position is not well conserved in available vertebrate species. In addition, this alteration is predicted to be tolerated by in silico analysis. Since supporting evidence is limited at this time, the clinical significance of this alteration remains unclear.

Labcorp Genetics (formerly Invitae), Labcorp
Classification: Uncertain significance for Hereditary breast ovarian cancer syndrome. Last evaluated: 2024-05-22. Review status: criteria provided, single submitter. Criteria: Invitae Variant Classification Sherloc (09022015). Collection method: clinical testing. Allele origin: germline.
Comment: This sequence change replaces aspartic acid, which is acidic and polar, with glutamic acid, which is acidic and polar, at codon 1540 of the BRCA2 protein (p.Asp1540Glu). This variant is not present in population databases (gnomAD no frequency). This variant has not been reported in the literature in individuals affected with BRCA2-related conditions. ClinVar contains an entry for this variant (Variation ID: 926677). Advanced modeling of protein sequence and biophysical properties (such as structural, functional, and spatial information, amino acid conservation, physicochemical variation, residue mobility, and thermodynamic stability) performed at Invitae indicates that this missense variant is not expected to disrupt BRCA2 protein function with a negative predictive value of 95%. In summary, the available evidence is currently insufficient to determine the role of this variant in disease. Therefore, it has been classified as a Variant of Uncertain Significance.

Blueprint Genetics
Classification: Likely benign. Last evaluated: 2024-05-06. Review status: criteria provided, single submitter. Criteria: ACMG Guidelines, 2015. Collection method: clinical testing. Allele origin: germline.

Color Diagnostics, LLC DBA Color Health
Classification: Uncertain significance for Hereditary cancer-predisposing syndrome. Last evaluated: 2023-12-05. Review status: criteria provided, single submitter. Criteria: ACMG Guidelines, 2015. Collection method: clinical testing. Allele origin: germline.
Comment: This missense variant replaces aspartic acid with glutamic acid at codon 1540 of the BRCA2 protein. Computational prediction suggests that this variant may not impact protein structure and function (internally defined REVEL score threshold <= 0.5, PMID: 27666373). To our knowledge, functional studies have not been reported for this variant. This variant has not been reported in individuals affected with BRCA2-related disorders in the literature. This variant has not been identified in the general population by the Genome Aggregation Database (gnomAD). The available evidence is insufficient to determine the role of this variant in disease conclusively. Therefore, this variant is classified as a Variant of Uncertain Significance.

University of Washington Department of Laboratory Medicine, University of Washington
Classification: Likely benign for Hereditary cancer-predisposing syndrome. Last evaluated: 2023-03-23. Review status: criteria provided, single submitter. Criteria: Dines et al. (Genet Med. 2020). Collection method: curation. Allele origin: germline.
Comment: Missense variant in a coldspot region where missense variants are very unlikely to be pathogenic (PMID:31911673).

BRCA2 exon 11 coldspot. Reclassification based on statistical prior probability.

NM_000059.4(BRCA2):c.4620C>G (p.Asp1540Glu)

Gene: BRCA2 (BRCA2 DNA repair associated; plus strand). Cytogenetic location: 13q13.1.
Variant type: single nucleotide variant.
Coding change: c.4620C>G on transcript NM_000059.4 (MANE Select); coding-DNA position 4620, C replaced by G.
Protein change: p.Asp1540Glu; replaces aspartic acid 1540 with glutamic acid.
Molecular consequence: missense variant.
Genome position (GRCh38, 1-based): chr13:32,338,975, C>G. VCF-style: chr13-32338975-C-G. GRCh37 (hg19) VCF-style: chr13-32913112-C-G.
Other names: short protein forms D1540E.
Identifiers: ClinVar variation 926677 (VCV000926677.17), dbSNP rs1555283875, ClinGen allele CA387782049.